The following is an entry in ClinVar:

NM_001267550.2(TTN):c.46823del (p.Leu15608fs)

Genes: TTN-AS1 (TTN antisense RNA 1; plus strand), TTN (titin; minus strand). Cytogenetic location: 2q31.2.
Variant type: Deletion.
Coding change: c.46823del on transcript NM_001267550.2 (MANE Select); coding-DNA position 46823, one base deleted (T; older notation c.46823delT).
Protein change: p.Leu15608fs; shifts the reading frame from leucine 15608.
Molecular consequence: frameshift variant.
Genome position (GRCh38, 1-based): chr2:178,618,727, A deleted on the plus strand (T on the coding strand, the reverse complement: TTN is on the minus strand); the first of 3 consecutive A bases (chr2:178,618,727-178,618,729); deleting any one gives the same sequence. VCF-style (leftmost placement, unchanged base first): chr2-178618726-TA-T. GRCh37 (hg19) VCF-style: chr2-179483453-TA-T.
Other names: c.41900del, p.Leu13967fs (NM_001256850.1); c.19628del, p.Leu6543fs (NM_003319.4); c.39119del, p.Leu13040fs (NM_133378.4); c.20003del, p.Leu6668fs (NM_133432.3); c.20204del, p.Leu6735fs (NM_133437.4); short protein forms L13040fs, L6668fs, L13967fs, L15608fs, L6543fs, L6735fs.
Identifiers: ClinVar variation 1347835 (VCV001347835.8), dbSNP rs2154209855, ClinGen allele CA2573133862.
Genomic context (GRCh38, chr2:178,618,726, plus strand): 5'-CTTGGCTTCTAAAATTCTGAAAGAAGTTTGTTCAGCCGTAGTATCAATGGTTTTTGTAGA[TA>T]AAGGTTCATTTTCTTTAAACCATTCAGCTTCTGCTTTGGGGTAGGCATCATATGGCACCA-3'

ClinVar aggregate classification (germline): Likely pathogenic (1 of 4 stars; one submission).

Conditions:
Dilated cardiomyopathy 1G (CMD1G). Identifiers: Orphanet 154, MedGen C1858763, MONDO:0011400, OMIM 604145.
Autosomal recessive limb-girdle muscular dystrophy type 2J (LGMDR10). Also called: Limb-girdle muscular dystrophy, type 2J; MUSCULAR DYSTROPHY, LIMB-GIRDLE, AUTOSOMAL RECESSIVE 10. Identifiers: Orphanet 140922, MedGen C1837342, MONDO:0012127, OMIM 608807.

Submission:

Labcorp Genetics (formerly Invitae), Labcorp
Classification: Likely pathogenic for Dilated cardiomyopathy 1G; Autosomal recessive limb-girdle muscular dystrophy type 2J. Last evaluated: 2025-10-27. Review status: criteria provided, single submitter. Criteria: Invitae Variant Classification Sherloc (09022015). Collection method: clinical testing. Allele origin: germline.
Comment: This sequence change creates a premature translational stop signal (p.Leu15608Tyrfs*18) in the TTN gene. While this is not anticipated to result in nonsense mediated decay, it is expected to create a truncated TTN protein. This variant is not present in population databases (gnomAD no frequency). This premature translational stop signal has been observed in individual(s) with dilated cardiomyopathy (internal data). ClinVar contains an entry for this variant (Variation ID: 1347835). This variant is located in the I band of TTN (PMID: 25589632). Truncating variants in this region have been reported in individuals affected with autosomal recessive centronuclear myopathy (PMID: 23975875, internal data). Truncating variants in this region have also been identified in individuals affected with autosomal dominant dilated cardiomyopathy and/or cardio-related conditions (PMID: 27869827, 32964742, internal data). In summary, the currently available evidence indicates that the variant is pathogenic, but additional data are needed to prove that conclusively. Therefore, this variant has been classified as Likely Pathogenic.

Literature cited by the submitters: PubMed 25589632; PubMed 23975875; PubMed 27869827; PubMed 32964742.